The following is an entry in ClinVar:

NM_017433.5(MYO3A):c.2319G>T (p.Trp773Cys)

Gene: MYO3A (myosin IIIA; plus strand). Cytogenetic location: 10p12.1.
Variant type: single nucleotide variant.
Coding change: c.2319G>T on transcript NM_017433.5 (MANE Select); coding-DNA position 2319, G replaced by T.
Protein change: p.Trp773Cys; replaces tryptophan 773 with cysteine.
Molecular consequence: missense variant.
Genome position (GRCh38, 1-based): chr10:26,143,504, G>T. VCF-style: chr10-26143504-G-T. GRCh37 (hg19) VCF-style: chr10-26432433-G-T.
Other names: short protein forms W773C.
Identifiers: ClinVar variation 3602294 (VCV003602294.1).

ClinVar aggregate classification (germline): Uncertain significance (1 of 4 stars; one submission).

gnomAD v4.1: 6 of 1,613,218 alleles (0.00037%); highest among the groups gnomAD compares: African/African-American, 0.0013%; no homozygotes.

Submission:

GeneDx
Classification: Uncertain significance. Last evaluated: 2024-07-31. Review status: criteria provided, single submitter. Criteria: GeneDx Variant Classification Process June 2021. Collection method: clinical testing. Allele origin: germline. Affected: yes.
Comment: Not observed at significant frequency in large population cohorts (gnomAD); In silico analysis indicates that this missense variant does not alter protein structure/function; Has not been previously published as pathogenic or benign to our knowledge